The following is an entry in ClinVar:

NM_000051.4(ATM):c.8677G>A (p.Ala2893Thr)

Genes: ATM (ATM serine/threonine kinase; plus strand), C11orf65 (chromosome 11 open reading frame 65; minus strand). Cytogenetic location: 11q22.3.
Variant type: single nucleotide variant.
Coding change: c.8677G>A on transcript NM_000051.4 (MANE Select); coding-DNA position 8677, G replaced by A.
Protein change: p.Ala2893Thr; replaces alanine 2893 with threonine.
Molecular consequence: missense variant. On other transcripts: intron variant (2).
Genome position (GRCh38, 1-based): chr11:108,353,771, G>A. VCF-style: chr11-108353771-G-A. GRCh37 (hg19) VCF-style: chr11-108224498-G-A.
Other names: c.8677G>A, p.Ala2893Thr (NM_001351834.2); c.640+32149C>T (NM_001330368.2); c.695-18479C>T (NM_001351110.2); short protein forms A2893T.
Identifiers: ClinVar variation 453743 (VCV000453743.10), dbSNP rs1555142808, ClinGen allele CA382523467.
Genomic context (GRCh38, chr11:108,353,771, plus strand): 5'-AAAGAAAGTAAATTAGCTGTCAAACCTCCTAACTTCACTGTATTCTTTACTTTAGGTGTT[G>A]CTTTTGAACAGGGCAAAATCCTTCCTACTCCTGAGACAGTTCCTTTTAGACTCACCAGAG-3'
Protein context (NP_000042.3, residues 2883-2903): AELVHIDLGV[Ala2893Thr]FEQGKILPTP

ClinVar aggregate classification (germline): Uncertain significance (1 of 4 stars; one submission).

Conditions:
Ataxia-telangiectasia syndrome (AT). Also called: LOUIS-BAR SYNDROME; Cerebello-oculocutaneous telangiectasia; Immunodeficiency with ataxia telangiectasia; Ataxia-telangiectasia, complementation group D; AT, COMPLEMENTATION GROUP C; Ataxia-telangiectasia, complementation group E. Identifiers: Orphanet 100, MedGen C0004135, MONDO:0008840, OMIM 208900.

Submission:

Labcorp Genetics (formerly Invitae), Labcorp
Classification: Uncertain significance for Ataxia-telangiectasia syndrome. Last evaluated: 2025-07-30. Review status: criteria provided, single submitter. Criteria: Invitae Variant Classification Sherloc (09022015). Collection method: clinical testing. Allele origin: germline.
Comment: This sequence change replaces alanine, which is neutral and non-polar, with threonine, which is neutral and polar, at codon 2893 of the ATM protein (p.Ala2893Thr). This variant is not present in population databases (gnomAD no frequency). This variant has not been reported in the literature in individuals affected with ATM-related conditions. ClinVar contains an entry for this variant (Variation ID: 453743). Invitae Evidence Modeling of protein sequence and biophysical properties (such as structural, functional, and spatial information, amino acid conservation, physicochemical variation, residue mobility, and thermodynamic stability) indicates that this missense variant is expected to disrupt ATM protein function with a positive predictive value of 95%. In summary, the available evidence is currently insufficient to determine the role of this variant in disease. Therefore, it has been classified as a Variant of Uncertain Significance.